The following is an entry in ClinVar:

ClinVar aggregate classification (germline): Pathogenic (1 of 4 stars; one submission).

Conditions:
Developmental and epileptic encephalopathy, 1 (DEE1). Also called: X-linked infantile spasms; West's syndrome; Tonic spasms with clustering, arrest of psychomotor development and hypsarrhythmia on EEG; X-Linked Infantile Spasm Syndrome; OHTAHARA SYNDROME, X-LINKED; INFANTILE SPASM SYNDROME, X-LINKED 1. Identifiers: MedGen C3463992, MONDO:0010632, OMIM 308350. Disease mechanism: loss of function.
Autosomal dominant nonsyndromic hearing loss 65. Also called: TBC1D24-Related Autosomal Dominant Nonsyndromic Hearing Loss (DFNA); Deafness, autosomal dominant 65. Identifiers: Orphanet 90635, MedGen C3892048, MONDO:0014470, OMIM 616044.
Caused by mutation in the TBC1 domain family, member 24.

Submission:

Labcorp Genetics (formerly Invitae), Labcorp
Classification: Pathogenic for Developmental and epileptic encephalopathy, 1; Autosomal dominant nonsyndromic hearing loss 65. Last evaluated: 2023-07-17. Review status: criteria provided, single submitter. Criteria: Invitae Variant Classification Sherloc (09022015). Collection method: clinical testing. Allele origin: germline.
Comment: A gross deletion of the genomic region encompassing the full coding sequence of the TBC1D24 gene has been identified. Loss-of-function variants in TBC1D24 are known to be pathogenic (PMID: 23526554, 24291220). The boundaries of this event are unknown as they extend beyond the assayed region for this gene and therefore may encompass additional genes. A similar copy number variant has been observed in individual(s) with epilepsy and intellectual disability (PMID: 23184456). For these reasons, this variant has been classified as Pathogenic.

Literature cited by the submitters: PubMed 23526554; PubMed 24291220; PubMed 23184456.

NC_000016.9:g.(?_2546150)_(2550959_?)del

Gene: TBC1D24 (TBC1 domain family member 24; plus strand). Cytogenetic location: 16p13.3.
Variant type: Deletion.
Identifiers: ClinVar variation 1402576 (VCV001402576.10).